The following is an entry in ClinVar:

ClinVar aggregate classification (germline): Uncertain significance (1 of 4 stars; one submission).

Conditions:
Kabuki syndrome. Also called: Kabuki make-up syndrome; NIIKAWA-KUROKI SYNDROME. Identifiers: Orphanet 2322, MedGen C0796004, MONDO:0016512.

Submission:

Labcorp Genetics (formerly Invitae), Labcorp
Classification: Uncertain significance for Kabuki syndrome. Last evaluated: 2022-02-06. Review status: criteria provided, single submitter. Criteria: Invitae Variant Classification Sherloc (09022015). Collection method: clinical testing. Allele origin: germline.
Comment: In summary, the available evidence is currently insufficient to determine the role of this variant in disease. Therefore, it has been classified as a Variant of Uncertain Significance. Algorithms developed to predict the effect of sequence changes on RNA splicing suggest that this variant may create or strengthen a splice site. Advanced modeling of protein sequence and biophysical properties (such as structural, functional, and spatial information, amino acid conservation, physicochemical variation, residue mobility, and thermodynamic stability) performed at Invitae indicates that this missense variant is not expected to disrupt KMT2D protein function. This variant has not been reported in the literature in individuals affected with KMT2D-related conditions. This variant is not present in population databases (gnomAD no frequency). This sequence change replaces proline, which is neutral and non-polar, with arginine, which is basic and polar, at codon 462 of the KMT2D protein (p.Pro462Arg).

NM_003482.4(KMT2D):c.1385C>G (p.Pro462Arg)

Gene: KMT2D (lysine methyltransferase 2D; minus strand). Cytogenetic location: 12q13.12.
Variant type: single nucleotide variant.
Coding change: c.1385C>G on transcript NM_003482.4 (MANE Select); coding-DNA position 1385, C replaced by G.
Protein change: p.Pro462Arg; replaces proline 462 with arginine.
Molecular consequence: missense variant.
Genome position (GRCh38, 1-based): chr12:49,052,298, G>C on the plus strand (C>G on the coding strand, the complement: KMT2D is on the minus strand). VCF-style: chr12-49052298-G-C. GRCh37 (hg19) VCF-style: chr12-49446081-G-C.
Other names: short protein forms P462R.
Identifiers: ClinVar variation 2167853 (VCV002167853.4), dbSNP rs1430745030, ClinGen allele CA384675064.